The following is an entry in ClinVar:

NM_022124.6(CDH23):c.6440C>A (p.Thr2147Asn)

Gene: CDH23 (cadherin related 23; plus strand). Cytogenetic location: 10q22.1.
Variant type: single nucleotide variant.
Coding change: c.6440C>A on transcript NM_022124.6 (MANE Select); coding-DNA position 6440, C replaced by A.
Protein change: p.Thr2147Asn; replaces threonine 2147 with asparagine.
Molecular consequence: missense variant.
Genome position (GRCh38, 1-based): chr10:71,793,368, C>A. VCF-style: chr10-71793368-C-A. GRCh37 (hg19) VCF-style: chr10-73553125-C-A.
Other names: short protein forms T2147N.
Identifiers: ClinVar variation 285918 (VCV000285918.15), dbSNP rs769241730, ClinGen allele CA5546081.
Genomic context (GRCh38, chr10:71,793,368, plus strand): 5'-TTGGTAATGCCACCATCGACAGAGAGGAGCAGGAGTCCTACAGGCTAACGGTGGTGGCCA[C>A]CGACCGGGGCACCGTTCCTCTCTCGGGCACAGCCATTGTCACCATTCTGATCGATGACAT-3'
Protein context (NP_071407.4, residues 2137-2157): QESYRLTVVA[Thr2147Asn]DRGTVPLSGT

ClinVar aggregate classification (germline): Uncertain significance. Review status: criteria provided, multiple submitters, no conflicts (2 of 4 stars). 7 submissions from 7 submitters: Uncertain significance (6). 1 of the submissions does not count toward it. Last evaluated 2026-08-01.

Conditions:
CDH23-related disorder. Also called: CDH23-related condition; CDH23-related disorders.
Inborn genetic diseases. Identifiers: MedGen C0950123, MeSH D030342.
Usher syndrome type 1 (USH1). Also called: RETINITIS PIGMENTOSA AND CONGENITAL DEAFNESS. Identifiers: Orphanet 231169, Orphanet 886, MedGen C1568247, MONDO:0010168, OMIM 276900.

Allele frequency attached by ClinVar (database versions not stated): TOPMed 0.00002.
gnomAD v4.1: 36 of 1,613,876 alleles (0.0022%); highest among the groups gnomAD compares: Non-Finnish European, 0.0026%; no homozygotes.

Submissions (7):

PreventionGenetics, part of Exact Sciences
Classification: Uncertain significance for CDH23-related condition. Last evaluated: 2026-08-01. Review status: criteria provided, single submitter. Criteria: ACMG Guidelines, 2015. Collection method: clinical testing. Allele origin: germline.
Comment: The CDH23 c.6440C>A variant is predicted to result in the amino acid substitution p.Thr2147Asn. To our knowledge, this variant has not been reported in the literature. This variant is reported in 0.00089% of alleles in individuals of European (Non-Finnish) descent in gnomAD. At this time, the clinical significance of this variant is uncertain due to the absence of conclusive functional and genetic evidence.

GeneDx
Classification: Uncertain significance. Last evaluated: 2025-08-14. Review status: criteria provided, single submitter. Criteria: GeneDx Variant Classification Process June 2021. Collection method: clinical testing. Allele origin: germline. Affected: yes.
Comment: Not observed at significant frequency in large population cohorts (gnomAD); In silico analysis suggests that this missense variant does not alter protein structure/function; Has not been previously published as pathogenic or benign to our knowledge

Ambry Genetics
Classification: Uncertain significance for Inborn genetic diseases. Last evaluated: 2025-04-01. Review status: criteria provided, single submitter. Criteria: Ambry Variant Classification Scheme 2023. Collection method: clinical testing. Allele origin: germline.

Labcorp Genetics (formerly Invitae), Labcorp
Classification: Uncertain significance. Last evaluated: 2022-08-05. Review status: criteria provided, single submitter. Criteria: Invitae Variant Classification Sherloc (09022015). Collection method: clinical testing. Allele origin: germline.
Comment: This sequence change replaces threonine, which is neutral and polar, with asparagine, which is neutral and polar, at codon 2147 of the CDH23 protein (p.Thr2147Asn). This variant is present in population databases (rs769241730, gnomAD 0.0009%). This variant has not been reported in the literature in individuals affected with CDH23-related conditions. ClinVar contains an entry for this variant (Variation ID: 285918). Algorithms developed to predict the effect of missense changes on protein structure and function are either unavailable or do not agree on the potential impact of this missense change (SIFT: "Deleterious"; PolyPhen-2: "Not Available"; Align-GVGD: "Class C0"). In summary, the available evidence is currently insufficient to determine the role of this variant in disease. Therefore, it has been classified as a Variant of Uncertain Significance.

Blueprint Genetics
Classification: Uncertain significance. Last evaluated: 2022-02-04. Review status: criteria provided, single submitter. Criteria: ACMG Guidelines, 2015. Collection method: clinical testing. Allele origin: germline.

Eurofins Ntd Llc (ga)
Classification: Uncertain significance. Last evaluated: 2016-02-01. Review status: criteria provided, single submitter. Criteria: EGL Classification Definitions 2015. Collection method: clinical testing. Allele origin: germline. Observed: 1 variant allele, 1 heterozygote.

Natera, Inc.
Classification: Uncertain significance for Usher syndrome type 1. Last evaluated: 2020-01-24. Review status: no assertion criteria provided. Collection method: clinical testing. Allele origin: germline. Not counted in ClinVar's aggregate classification.